The following is an entry in ClinVar:

NM_024642.5(GALNT12):c.1606-5T>G

Gene: GALNT12 (polypeptide N-acetylgalactosaminyltransferase 12; plus strand). Cytogenetic location: 9q22.33.
Variant type: single nucleotide variant.
Coding change: c.1606-5T>G on transcript NM_024642.5 (MANE Select); 5 bases into the intron before coding-DNA position 1606, T replaced by G.
Molecular consequence: intron variant.
Genome position (GRCh38, 1-based): chr9:98,848,947, T>G. VCF-style: chr9-98848947-T-G. GRCh37 (hg19) VCF-style: chr9-101611229-T-G.
Identifiers: ClinVar variation 3518506 (VCV003518506.1).

ClinVar aggregate classification (germline): Uncertain significance (1 of 4 stars; one submission).

Submission:

Ambry Genetics
Classification: Uncertain significance. Last evaluated: 2024-10-28. Review status: criteria provided, single submitter. Criteria: Ambry Variant Classification Scheme 2023. Collection method: clinical testing. Allele origin: germline.
Comment: The c.1606-5T>G intronic variant results from a T to G substitution 5 nucleotides upstream from coding exon 10 in the GALNT12 gene. This nucleotide position is not well conserved in available vertebrate species. In silico splice site analysis predicts that this alteration will not have any significant effect on splicing. The evidence for this gene-disease relationship is limited; therefore, the clinical significance of this alteration is unclear.